The following is an entry in ClinVar:

NM_000533.5(PLP1):c.332A>C (p.Lys111Thr)

Genes: RAB9B (RAB9B, member RAS oncogene family; minus strand), PLP1 (proteolipid protein 1; plus strand). Cytogenetic location: Xq22.2.
Variant type: single nucleotide variant.
Coding change: c.332A>C on transcript NM_000533.5 (MANE Select); coding-DNA position 332, A replaced by C.
Protein change: p.Lys111Thr; replaces lysine 111 with threonine.
Molecular consequence: missense variant.
Genome position (GRCh38, 1-based): chrX:103,786,605, A>C. VCF-style: chrX-103786605-A-C. GRCh37 (hg19) VCF-style: chrX-103041534-A-C.
Other names: c.332A>C, p.Lys111Thr (NM_001128834.3, NM_199478.3); c.167A>C, p.Lys56Thr (NM_001305004.1); short protein forms K111T, K56T.
Identifiers: ClinVar variation 451093 (VCV000451093.2), dbSNP rs1556267032, ClinGen allele CA414102708.

ClinVar aggregate classification (germline): Uncertain significance (1 of 4 stars; one submission).

Submission:

GeneDx
Classification: Uncertain significance. Last evaluated: 2017-08-08. Review status: criteria provided, single submitter. Criteria: GeneDx Variant Classification (06012015). Collection method: clinical testing. Allele origin: germline. Affected: yes.
Comment: The K111T variant in the PLP1 gene has not been reported previously as a pathogenic variant, nor as a benign variant, to our knowledge. The K111T variant is not observed in large population cohorts (Lek et al., 2016; 1000 Genomes Consortium et al., 2015; Exome Variant Server). The K111T variant is a semi-conservative amino acid substitution, which may impact secondary protein structure as these residues differ in some properties. This substitution occurs at a position that is conserved in mammals and in silico analysis predicts this variant is probably damaging to the protein structure/function. We interpret K111T as a variant of uncertain significance.